The following is an entry in ClinVar:

ClinVar aggregate classification (germline): Uncertain significance (1 of 4 stars; one submission).

Allele frequency attached by ClinVar (database versions not stated): gnomAD exomes below 0.00001.

Submission:

Women's Health and Genetics/Laboratory Corporation of America, LabCorp
Classification: Uncertain significance. Last evaluated: 2023-11-10. Review status: criteria provided, single submitter. Criteria: LabCorp Variant Classification Summary - May 2015. Collection method: clinical testing. Allele origin: germline.
Comment: Variant summary: RBPJ c.37C>G (p.Pro13Ala) results in a non-conservative amino acid change in the encoded protein sequence. Four of five in-silico tools predict a benign effect of the variant on protein function. The variant was absent in 160606 control chromosomes (gnomAD). The available data on variant occurrences in the general population are insufficient to allow any conclusion about variant significance. To our knowledge, no occurrence of c.37C>G in individuals affected with Adams-Oliver Syndrome 3 and no experimental evidence demonstrating its impact on protein function have been reported. No submitters have cited clinical-significance assessments for this variant to ClinVar after 2014. Based on the evidence outlined above, the variant was classified as uncertain significance.

NM_005349.4(RBPJ):c.37C>G (p.Pro13Ala)

Gene: RBPJ (recombination signal binding protein for immunoglobulin kappa J region; plus strand). Cytogenetic location: 4p15.2.
Variant type: single nucleotide variant.
Coding change: c.37C>G on transcript NM_005349.4; coding-DNA position 37, C replaced by G.
Protein change: p.Pro13Ala; replaces proline 13 with alanine.
Molecular consequence: missense variant. On other transcripts: intron variant (4), 5 prime UTR variant (1).
Genome position (GRCh38, 1-based): chr4:26,320,793, C>G. VCF-style: chr4-26320793-C-G. GRCh37 (hg19) VCF-style: chr4-26322415-C-G.
Other names: c.-47+905C>G (NM_203283.5); c.14+905C>G (NM_001379409.1); c.37C>G, p.Pro13Ala (NM_001374400.1, NM_001379408.1); c.-189C>G (NM_001379407.1); c.-166-41653C>G (NM_001374401.1); c.-167+905C>G (NM_001379406.1); short protein forms P13A.
Identifiers: ClinVar variation 2682454 (VCV002682454.1), dbSNP rs1722936793, ClinGen allele CA356668371.